The following is an entry in ClinVar:

ClinVar aggregate classification (germline): Uncertain significance (1 of 4 stars; one submission).

Conditions:
Congenital myasthenic syndrome 9. Also called: Myasthenic syndrome, congenital, 9, associated with acetylcholine receptor deficiency. Identifiers: Orphanet 590, MedGen C4225368, MONDO:0014587, OMIM 616325.
Fetal akinesia deformation sequence 1 (FADS1). Also called: Fetal akinesia sequence; Pena-Shokeir syndrome type I. Identifiers: Orphanet 994, MedGen C1276035, MONDO:0100101, OMIM 208150, HP:0001989.

Allele frequency attached by ClinVar (database versions not stated): ExAC 0.00002; TOPMed 0.00001.
gnomAD v4.1: 8 of 1,610,260 alleles (0.0005%); highest among the groups gnomAD compares: South Asian, 0.0033%; no homozygotes.

Submission:

Labcorp Genetics (formerly Invitae), Labcorp
Classification: Uncertain significance for Congenital myasthenic syndrome 9; Fetal akinesia deformation sequence 1. Last evaluated: 2025-10-02. Review status: criteria provided, single submitter. Criteria: Invitae Variant Classification Sherloc (09022015). Collection method: clinical testing. Allele origin: germline.
Comment: This sequence change replaces glycine, which is neutral and non-polar, with arginine, which is basic and polar, at codon 197 of the MUSK protein (p.Gly197Arg). This variant is present in population databases (rs768273510, gnomAD 0.007%). This variant has not been reported in the literature in individuals affected with MUSK-related conditions. ClinVar contains an entry for this variant (Variation ID: 856955). Invitae Evidence Modeling of protein sequence and biophysical properties (such as structural, functional, and spatial information, amino acid conservation, physicochemical variation, residue mobility, and thermodynamic stability) indicates that this missense variant is not expected to disrupt MUSK protein function with a negative predictive value of 80%. In summary, the available evidence is currently insufficient to determine the role of this variant in disease. Therefore, it has been classified as a Variant of Uncertain Significance.

NM_005592.4(MUSK):c.589G>A (p.Gly197Arg)

Gene: MUSK (muscle associated receptor tyrosine kinase; plus strand). Cytogenetic location: 9q31.3.
Variant type: single nucleotide variant.
Coding change: c.589G>A on transcript NM_005592.4 (MANE Select); coding-DNA position 589, G replaced by A.
Protein change: p.Gly197Arg; replaces glycine 197 with arginine.
Molecular consequence: missense variant.
Genome position (GRCh38, 1-based): chr9:110,697,427, G>A. VCF-style: chr9-110697427-G-A. GRCh37 (hg19) VCF-style: chr9-113459707-G-A.
Other names: c.589G>A, p.Gly197Arg (NM_001166280.2, NM_001166281.2); short protein forms G197R.
Identifiers: ClinVar variation 856955 (VCV000856955.2), dbSNP rs768273510, ClinGen allele CA5184053.